The following is an entry in ClinVar:

NM_004369.4(COL6A3):c.7744C>T (p.Leu2582Phe)

Gene: COL6A3 (collagen type VI alpha 3 chain; minus strand). Cytogenetic location: 2q37.3.
Variant type: single nucleotide variant.
Coding change: c.7744C>T on transcript NM_004369.4 (MANE Select); coding-DNA position 7744, C replaced by T.
Protein change: p.Leu2582Phe; replaces leucine 2582 with phenylalanine.
Molecular consequence: missense variant.
Genome position (GRCh38, 1-based): chr2:237,342,086, G>A on the plus strand (C>T on the coding strand, the complement: COL6A3 is on the minus strand). VCF-style: chr2-237342086-G-A. GRCh37 (hg19) VCF-style: chr2-238250729-G-A.
Other names: c.5923C>T, p.Leu1975Phe (NM_057166.5); c.7126C>T, p.Leu2376Phe (NM_057167.4); c.7744C>T (NM_004369.3); short protein forms L1975F, L2376F, L2582F.
Identifiers: ClinVar variation 1050569 (VCV001050569.6), dbSNP rs780850057, ClinGen allele CA2187719.

ClinVar aggregate classification (germline): Uncertain significance. Review status: criteria provided, multiple submitters, no conflicts (2 of 4 stars). 3 submissions from 3 submitters: Uncertain significance (2). 1 of the submissions does not count toward it. Last evaluated 2023-02-16.

Conditions:
Inborn genetic diseases. Identifiers: MedGen C0950123, MeSH D030342.

Allele frequency attached by ClinVar (database versions not stated): gnomAD exomes below 0.00001; TOPMed below 0.00001; ExAC 0.00001; gnomAD 0.00001.
gnomAD v4.1: 8 of 1,614,058 alleles (0.0005%); highest among the groups gnomAD compares: South Asian, 0.0022%; 1 homozygote.

Submissions (3):

Ambry Genetics
Classification: Uncertain significance for Inborn genetic diseases. Last evaluated: 2023-02-16. Review status: criteria provided, single submitter. Criteria: Ambry Variant Classification Scheme 2023. Collection method: clinical testing. Allele origin: germline.

Revvity Omics, Revvity
Classification: Uncertain significance. Last evaluated: 2020-09-02. Review status: criteria provided, single submitter. Criteria: ACMG Guidelines, 2015. Collection method: clinical testing. Allele origin: germline.

Department of Pathology and Laboratory Medicine, Sinai Health System
Classification: Uncertain significance. Review status: no assertion criteria provided. Collection method: clinical testing. Allele origin: unknown. Affected: yes. Study: The Canadian Open Genetics Repository (COGR). Not counted in ClinVar's aggregate classification.
Comment: The COL6A3 p.L1975F variant was not identified in the literature nor was it identified in ClinVar. The variant was identified in dbSNP (ID: rs780850057) and in control databases in 1 of 251390 chromosomes at a frequency of 0.000003978 (Genome Aggregation Database March 6, 2019, v2.1.1). The variant was observed in the European (non-Finnish) population in 1 of 113730 chromosomes (freq: 0.000009), but was not observed in the African, Latino, Ashkenazi Jewish, East Asian, European (Finnish), Other, or South Asian populations. The p.L1975 residue is not conserved in mammals and computational analyses (PolyPhen-2, SIFT, MutationTaster, Revel, FATHMM, MetaLR, DANN) do not suggest a high likelihood of impact to the protein; however, this information is not predictive enough to rule out pathogenicity. The variant occurs outside of the splicing consensus sequence and in silico or computational prediction software programs (Splice AI exome) do not predict a difference in splicing. In summary, based on the above information the clinical significance of this variant cannot be determined with certainty at this time. This variant is classified as a variant of uncertain significance.